The following is an entry in ClinVar:

NM_001378454.1(ALMS1):c.11432G>A (p.Ser3811Asn)

Gene: ALMS1 (ALMS1 centrosome and basal body associated protein; plus strand). Cytogenetic location: 2p13.1.
Variant type: single nucleotide variant.
Coding change: c.11432G>A on transcript NM_001378454.1 (MANE Select); coding-DNA position 11432, G replaced by A.
Protein change: p.Ser3811Asn; replaces serine 3811 with asparagine.
Molecular consequence: missense variant.
Genome position (GRCh38, 1-based): chr2:73,573,309, G>A. VCF-style: chr2-73573309-G-A. GRCh37 (hg19) VCF-style: chr2-73800436-G-A.
Other names: c.11435G>A, p.Ser3812Asn (NM_015120.4); short protein forms S3811N, S3812N.
Identifiers: ClinVar variation 2153115 (VCV002153115.1), dbSNP rs1177181684, ClinGen allele CA347289862.

ClinVar aggregate classification (germline): Uncertain significance (1 of 4 stars; one submission).

Conditions:
Alstrom syndrome (ALMS). Identifiers: Orphanet 64, MedGen C0268425, MONDO:0008763, OMIM 203800.

gnomAD v4.1: 2 of 1,614,054 alleles (0.00012%); highest among the groups gnomAD compares: Non-Finnish European, 0.00017%; no homozygotes.

Submission:

Labcorp Genetics (formerly Invitae), Labcorp
Classification: Uncertain significance for Alstrom syndrome. Last evaluated: 2022-03-05. Review status: criteria provided, single submitter. Criteria: Invitae Variant Classification Sherloc (09022015). Collection method: clinical testing. Allele origin: germline.
Comment: This sequence change replaces serine, which is neutral and polar, with asparagine, which is neutral and polar, at codon 3812 of the ALMS1 protein (p.Ser3812Asn). This variant is present in population databases (no rsID available, gnomAD 0.0009%). This variant has not been reported in the literature in individuals affected with ALMS1-related conditions. Experimental studies and prediction algorithms are not available or were not evaluated, and the functional significance of this variant is currently unknown. In summary, the available evidence is currently insufficient to determine the role of this variant in disease. Therefore, it has been classified as a Variant of Uncertain Significance.